The following is an entry in ClinVar:

NM_001365951.3(KIF1B):c.3134A>G (p.Asp1045Gly)

Gene: KIF1B (kinesin family member 1B; plus strand). Cytogenetic location: 1p36.22.
Variant type: single nucleotide variant.
Coding change: c.3134A>G on transcript NM_001365951.3 (MANE Select); coding-DNA position 3134, A replaced by G.
Protein change: p.Asp1045Gly; replaces aspartic acid 1045 with glycine.
Molecular consequence: missense variant.
Genome position (GRCh38, 1-based): chr1:10,337,078, A>G. VCF-style: chr1-10337078-A-G. GRCh37 (hg19) VCF-style: chr1-10397136-A-G.
Other names: c.3134A>G, p.Asp1045Gly (NM_001365952.1); c.2996A>G, p.Asp999Gly (NM_015074.3); short protein forms D999G, D1045G.
Identifiers: ClinVar variation 1474514 (VCV001474514.9), dbSNP rs775328436, ClinGen allele CA581721.

ClinVar aggregate classification (germline): Conflicting classifications of pathogenicity. Review status: criteria provided, conflicting classifications (1 of 4 stars). 2 submissions from 2 submitters: Uncertain significance (1); Likely benign (1). Last evaluated 2024-03-19.

Conditions:
Charcot-Marie-Tooth disease type 2. Also called: Charcot-Marie-Tooth type 2. Identifiers: Orphanet 64746, MedGen C0270914, MONDO:0018993.

Allele frequency attached by ClinVar (database versions not stated): gnomAD exomes below 0.00001 and 0.00002; gnomAD 0.00001; TOPMed below 0.00001; ExAC 0.00001.
gnomAD v4.1: 5 of 1,613,976 alleles (0.00031%); highest among the groups gnomAD compares: East Asian, 0.011%; no homozygotes.

Submissions (2):

Ambry Genetics
Classification: Likely benign. Last evaluated: 2024-03-19. Review status: criteria provided, single submitter. Criteria: Ambry Variant Classification Scheme 2023. Collection method: clinical testing. Allele origin: germline.

Labcorp Genetics (formerly Invitae), Labcorp
Classification: Uncertain significance for Charcot-Marie-Tooth disease type 2. Last evaluated: 2023-10-11. Review status: criteria provided, single submitter. Criteria: Invitae Variant Classification Sherloc (09022015). Collection method: clinical testing. Allele origin: germline.
Comment: This sequence change replaces aspartic acid, which is acidic and polar, with glycine, which is neutral and non-polar, at codon 999 of the KIF1B protein (p.Asp999Gly). This variant is present in population databases (rs775328436, gnomAD 0.04%), and has an allele count higher than expected for a pathogenic variant. This variant has not been reported in the literature in individuals affected with KIF1B-related conditions. ClinVar contains an entry for this variant (Variation ID: 1474514). An algorithm developed to predict the effect of missense changes on protein structure and function (PolyPhen-2) suggests that this variant is likely to be tolerated. In summary, the available evidence is currently insufficient to determine the role of this variant in disease. Therefore, it has been classified as a Variant of Uncertain Significance.